The following is an entry in ClinVar:

NM_015559.3(SETBP1):c.205G>T (p.Val69Leu)

Gene: SETBP1 (SET binding protein 1; plus strand). Cytogenetic location: 18q12.3.
Variant type: single nucleotide variant.
Coding change: c.205G>T on transcript NM_015559.3 (MANE Select); coding-DNA position 205, G replaced by T.
Protein change: p.Val69Leu; replaces valine 69 with leucine.
Molecular consequence: missense variant.
Genome position (GRCh38, 1-based): chr18:44,701,551, G>T. VCF-style: chr18-44701551-G-T. GRCh37 (hg19) VCF-style: chr18-42281516-G-T.
Other names: c.205G>T, p.Val69Leu (NM_001130110.2, NM_001379141.1, NM_001379142.1 and 1 more transcripts); short protein forms V69L.
Identifiers: ClinVar variation 3712486 (VCV003712486.2).

ClinVar aggregate classification (germline): Uncertain significance (1 of 4 stars; one submission).

gnomAD v4.1: 1 of 1,614,208 alleles (0.000062%); no homozygotes.

Submission:

Labcorp Genetics (formerly Invitae), Labcorp
Classification: Uncertain significance. Last evaluated: 2024-10-24. Review status: criteria provided, single submitter. Criteria: Invitae Variant Classification Sherloc (09022015). Collection method: clinical testing. Allele origin: germline.
Comment: This sequence change replaces valine, which is neutral and non-polar, with leucine, which is neutral and non-polar, at codon 69 of the SETBP1 protein (p.Val69Leu). This variant is not present in population databases (gnomAD no frequency). This variant has not been reported in the literature in individuals affected with SETBP1-related conditions. An algorithm developed to predict the effect of missense changes on protein structure and function (PolyPhen-2) suggests that this variant is likely to be disruptive. In summary, the available evidence is currently insufficient to determine the role of this variant in disease. Therefore, it has been classified as a Variant of Uncertain Significance.